The following is an entry in ClinVar:

ClinVar aggregate classification (germline): Pathogenic (1 of 4 stars; one submission).

Conditions:
Autism spectrum disorder - epilepsy - arthrogryposis syndrome (AMRS). Identifiers: Orphanet 370943, MedGen C3809910, MONDO:0014248, OMIM 615553.

Submission:

Labcorp Genetics (formerly Invitae), Labcorp
Classification: Pathogenic for Autism spectrum disorder - epilepsy - arthrogryposis syndrome. Last evaluated: 2022-01-11. Review status: criteria provided, single submitter. Criteria: Invitae Variant Classification Sherloc (09022015). Collection method: clinical testing. Allele origin: germline.
Comment: This variant is not present in population databases (gnomAD no frequency). This variant has not been reported in the literature in individuals affected with SLC35A3-related conditions. For these reasons, this variant has been classified as Pathogenic. This sequence change creates a premature translational stop signal (p.Trp245*) in the SLC35A3 gene. It is expected to result in an absent or disrupted protein product. Loss-of-function variants in SLC35A3 are known to be pathogenic (PMID: 24031089, 28328131).

Literature cited by the submitters: PubMed 24031089; PubMed 28328131.

NM_012243.3(SLC35A3):c.735G>A (p.Trp245Ter)

Gene: SLC35A3 (solute carrier family 35 member A3; plus strand). Cytogenetic location: 1p21.2.
Variant type: single nucleotide variant.
Coding change: c.735G>A on transcript NM_012243.3 (MANE Select); coding-DNA position 735, G replaced by A.
Protein change: p.Trp245Ter; replaces tryptophan 245 with a stop codon.
Molecular consequence: nonsense. On other transcripts: intron variant (1).
Genome position (GRCh38, 1-based): chr1:100,015,402, G>A. VCF-style: chr1-100015402-G-A. GRCh37 (hg19) VCF-style: chr1-100480958-G-A.
Other names: c.861G>A, p.Trp287Ter (NM_001271685.2); c.634+3869G>A (NM_001271684.2); short protein forms W245*, W287*.
Identifiers: ClinVar variation 2078274 (VCV002078274.4), dbSNP rs2524602549, ClinGen allele CA341315981.